The following is an entry in ClinVar:

NM_025137.4(SPG11):c.4578A>G (p.Thr1526=)

Gene: SPG11 (SPG11 vesicle trafficking associated, spatacsin; minus strand). Cytogenetic location: 15q21.1.
Variant type: single nucleotide variant.
Coding change: c.4578A>G on transcript NM_025137.4 (MANE Select); coding-DNA position 4578, A replaced by G.
Protein change: p.Thr1526=; no amino-acid change (threonine 1526 retained).
Molecular consequence: synonymous variant.
Genome position (GRCh38, 1-based): chr15:44,595,316, T>C on the plus strand (A>G on the coding strand, the complement: SPG11 is on the minus strand). VCF-style: chr15-44595316-T-C. GRCh37 (hg19) VCF-style: chr15-44887514-T-C.
Other names: c.4578A>G, p.Thr1526= (NM_001160227.2).
Identifiers: ClinVar variation 413996 (VCV000413996.43), dbSNP rs151137503, ClinGen allele CA7534643.

ClinVar aggregate classification (germline): Conflicting classifications of pathogenicity. Review status: criteria provided, conflicting classifications (1 of 4 stars). 5 submissions from 5 submitters: Uncertain significance (1); Benign (1); Likely benign (3). Last evaluated 2026-09-01.

Conditions:
Hereditary spastic paraplegia 11. Also called: Nakamura Osame syndrome; Autosomal recessive hereditary spastic paraplegia, mental impairment, and thin corpus callosum; Spastic paraplegia, mental retardation and thin corpus callosum; Spastic Paraplegia 11; SPASTIC PARAPLEGIA, AUTOSOMAL RECESSIVE, COMPLICATED, WITH THIN CORPUS CALLOSUM; SPASTIC PARAPLEGIA, AUTOSOMAL RECESSIVE, WITH MENTAL IMPAIRMENT AND THIN CORPUS CALLOSUM. Identifiers: Orphanet 2822, MedGen C1858479, MONDO:0011445, OMIM 604360.
Inborn genetic diseases. Identifiers: MedGen C0950123, MeSH D030342.

Allele frequency attached by ClinVar (database versions not stated): ExAC 0.00060; 1000 Genomes Project 0.00240; gnomAD 0.00246 and 0.00267; 1000 Genomes Project 30x 0.00265; TOPMed 0.00268; ESP Exome Variant Server 0.00285.
gnomAD v4.1: 699 of 1,614,250 alleles (0.043%); highest among the groups gnomAD compares: African/African-American, 0.86%; 2 homozygotes.

Submissions (5):

CeGaT Center for Human Genetics Tuebingen
Classification: Likely benign. Last evaluated: 2026-09-01. Review status: criteria provided, single submitter. Criteria: CeGaT Center For Human Genetics Tuebingen Variant Classification Criteria Version 2. Collection method: clinical testing. Allele origin: germline. Affected: yes. Observed: 5 variant alleles.
Comment: SPG11: BP4, BP7

Labcorp Genetics (formerly Invitae), Labcorp
Classification: Benign for Hereditary spastic paraplegia 11. Last evaluated: 2026-01-28. Review status: criteria provided, single submitter. Criteria: Invitae Variant Classification Sherloc (09022015). Collection method: clinical testing. Allele origin: germline.

Blueprint Genetics
Classification: Likely benign. Last evaluated: 2024-09-19. Review status: criteria provided, single submitter. Criteria: ACMG Guidelines, 2015. Collection method: clinical testing. Allele origin: germline.

Ambry Genetics
Classification: Likely benign for Inborn genetic diseases. Last evaluated: 2019-07-11. Review status: criteria provided, single submitter. Criteria: Ambry Variant Classification Scheme 2023. Collection method: clinical testing. Allele origin: germline.

Illumina Laboratory Services, Illumina
Classification: Uncertain significance for Hereditary spastic paraplegia 11. Last evaluated: 2018-01-13. Review status: criteria provided, single submitter. Criteria: ICSL Variant Classification Criteria 13 December 2019. Collection method: clinical testing. Allele origin: germline.